The following is an entry in ClinVar:

NM_004820.5(CYP7B1):c.704T>C (p.Leu235Pro)

Gene: CYP7B1 (cytochrome P450 family 7 subfamily B member 1; minus strand). Cytogenetic location: 8q12.3.
Variant type: single nucleotide variant.
Coding change: c.704T>C on transcript NM_004820.5 (MANE Select); coding-DNA position 704, T replaced by C.
Protein change: p.Leu235Pro; replaces leucine 235 with proline.
Molecular consequence: missense variant.
Genome position (GRCh38, 1-based): chr8:64,615,837, A>G on the plus strand (T>C on the coding strand, the complement: CYP7B1 is on the minus strand). VCF-style: chr8-64615837-A-G. GRCh37 (hg19) VCF-style: chr8-65528394-A-G.
Other names: c.704T>C, p.Leu235Pro (NM_001324112.2); short protein forms L235P.
Identifiers: ClinVar variation 2180605 (VCV002180605.4), dbSNP rs760375824, ClinGen allele CA4764165.

ClinVar aggregate classification (germline): Uncertain significance (1 of 4 stars; one submission).

Conditions:
Spastic paraplegia. Identifiers: MedGen C0037772, HP:0001258.

Allele frequency attached by ClinVar (database versions not stated): ExAC 0.00001; gnomAD exomes 0.00001.

Submission:

Labcorp Genetics (formerly Invitae), Labcorp
Classification: Uncertain significance for Spastic paraplegia. Last evaluated: 2022-10-17. Review status: criteria provided, single submitter. Criteria: Invitae Variant Classification Sherloc (09022015). Collection method: clinical testing. Allele origin: germline.
Comment: Advanced modeling of protein sequence and biophysical properties (such as structural, functional, and spatial information, amino acid conservation, physicochemical variation, residue mobility, and thermodynamic stability) performed at Invitae indicates that this missense variant is expected to disrupt CYP7B1 protein function. This missense change has been observed in individual(s) with clinical features of hereditary spastic paraplegia (Invitae). In at least one individual the data is consistent with being in trans (on the opposite chromosome) from a pathogenic variant. This variant is present in population databases (rs760375824, gnomAD 0.004%). This sequence change replaces leucine, which is neutral and non-polar, with proline, which is neutral and non-polar, at codon 235 of the CYP7B1 protein (p.Leu235Pro). In summary, the available evidence is currently insufficient to determine the role of this variant in disease. Therefore, it has been classified as a Variant of Uncertain Significance.